The following is an entry in ClinVar:

ClinVar aggregate classification (germline): Likely benign. Review status: criteria provided, multiple submitters, no conflicts (2 of 4 stars). 3 submissions from 3 submitters: Likely benign (3). Last evaluated 2025-10-02.

Conditions:
Muscular dystrophy-dystroglycanopathy (congenital with brain and eye anomalies), type a, 8 (MDDGA8). Also called: WALKER-WARBURG SYNDROME OR MUSCLE-EYE-BRAIN DISEASE, GTDC2-RELATED. Identifiers: Orphanet 899, MedGen C3553813, MONDO:0013904, OMIM 614830.

Allele frequency attached by ClinVar (database versions not stated): gnomAD exomes 0.00011 and 0.00026; gnomAD 0.00012 and 0.00014; TOPMed 0.00012; ESP Exome Variant Server 0.00015; ExAC 0.00024.
gnomAD v4.1: 195 of 1,613,876 alleles (0.012%); highest among the groups gnomAD compares: South Asian, 0.031%; 1 homozygote.

Submissions (3):

Labcorp Genetics (formerly Invitae), Labcorp
Classification: Likely benign for Muscular dystrophy-dystroglycanopathy (congenital with brain and eye anomalies), type a, 8. Last evaluated: 2025-10-02. Review status: criteria provided, single submitter. Criteria: Invitae Variant Classification Sherloc (09022015). Collection method: clinical testing. Allele origin: germline.

Blueprint Genetics
Classification: Likely benign. Last evaluated: 2024-07-18. Review status: criteria provided, single submitter. Criteria: ACMG Guidelines, 2015. Collection method: clinical testing. Allele origin: germline.

CeGaT Center for Human Genetics Tuebingen
Classification: Likely benign. Last evaluated: 2022-06-01. Review status: criteria provided, single submitter. Criteria: CeGaT Center For Human Genetics Tuebingen Variant Classification Criteria Version 2. Collection method: clinical testing. Allele origin: germline. Affected: yes. Observed: 1 variant allele.
Comment: POMGNT2: BP4, BP7

NM_032806.6(POMGNT2):c.195A>G (p.Thr65=)

Gene: POMGNT2 (protein O-linked mannose N-acetylglucosaminyltransferase 2 (beta 1,4-); minus strand). Cytogenetic location: 3p22.1.
Variant type: single nucleotide variant.
Coding change: c.195A>G on transcript NM_032806.6 (MANE Select); coding-DNA position 195, A replaced by G.
Protein change: p.Thr65=; no amino-acid change (threonine 65 retained).
Molecular consequence: synonymous variant.
Genome position (GRCh38, 1-based): chr3:43,081,237, T>C on the plus strand (A>G on the coding strand, the complement: POMGNT2 is on the minus strand). VCF-style: chr3-43081237-T-C. GRCh37 (hg19) VCF-style: chr3-43122729-T-C.
Identifiers: ClinVar variation 706966 (VCV000706966.40), dbSNP rs199992681, ClinGen allele CA2340137.